The following is an entry in ClinVar:

ClinVar aggregate classification (germline): Benign (1 of 4 stars; one submission).

Conditions:
Leigh syndrome (NULS). Also called: Leigh's necrotizing encephalopathy; Leigh's disease; Leigh Syndrome (mtDNA deletion); Leigh Disease; Subacute necrotizing encephalopathy; Necrotizing encephalopathy infantile subacute of Leigh. Identifiers: Orphanet 506, MedGen C2931891, MONDO:0009723, OMIM 256000.

Submission:

Wong Mito Lab, Molecular and Human Genetics, Baylor College of Medicine
Classification: Benign for Leigh syndrome. Last evaluated: 2019-10-17. Review status: criteria provided, single submitter. Criteria: Modified ACMG Guidelines (Unpublished). Collection method: clinical testing. Allele origin: germline.
Comment: The NC_012920.1:m.3520A>G (YP_003024026.1:p.Ile72Val) variant in MTND1 gene is interpretated to be a Benign variant based on the modified ACMG guidelines (unpublished). This variant meets the following evidence codes: BS1, BS4, BP4

NC_012920.1(MT-ND1):m.3520A>G

Gene: MT-ND1 (mitochondrially encoded NADH dehydrogenase 1; plus strand).
Variant type: single nucleotide variant.
Genome position: chrM-3520-A-G.
Identifiers: ClinVar variation 692365 (VCV000692365.1), dbSNP rs1603218996, ClinGen allele CA414772954.